The following is an entry in ClinVar:

NM_006231.4(POLE):c.6370A>G (p.Lys2124Glu)

Gene: POLE (DNA polymerase epsilon, catalytic subunit; minus strand). Cytogenetic location: 12q24.33.
Variant type: single nucleotide variant.
Coding change: c.6370A>G on transcript NM_006231.4 (MANE Select); coding-DNA position 6370, A replaced by G.
Protein change: p.Lys2124Glu; replaces lysine 2124 with glutamic acid.
Molecular consequence: missense variant.
Genome position (GRCh38, 1-based): chr12:132,626,278, T>C on the plus strand (A>G on the coding strand, the complement: POLE is on the minus strand). VCF-style: chr12-132626278-T-C. GRCh37 (hg19) VCF-style: chr12-133202864-T-C.
Other names: short protein forms K2124E.
Identifiers: ClinVar variation 3422125 (VCV003422125.1).

ClinVar aggregate classification (germline): Uncertain significance (1 of 4 stars; one submission).

Conditions:
Hereditary cancer-predisposing syndrome. Also called: Neoplastic Syndromes, Hereditary; Tumor predisposition; Hereditary Cancer Syndrome; Hereditary neoplastic syndrome. Identifiers: Orphanet 140162, MedGen C0027672, MeSH D009386, MONDO:0015356.

Submission:

Ambry Genetics
Classification: Uncertain significance for Hereditary cancer-predisposing syndrome. Last evaluated: 2024-07-31. Review status: criteria provided, single submitter. Criteria: Ambry Variant Classification Scheme 2023. Collection method: clinical testing. Allele origin: germline.
Comment: The p.K2124E variant (also known as c.6370A>G), located in coding exon 46 of the POLE gene, results from an A to G substitution at nucleotide position 6370. The lysine at codon 2124 is replaced by glutamic acid, an amino acid with similar properties. This amino acid position is conserved. In addition, the in silico prediction for this alteration is inconclusive. Based on the available evidence, the clinical significance of this variant remains unclear.